The following is an entry in ClinVar:

NM_014847.4(UBAP2L):c.2117C>T (p.Ser706Leu)

Gene: UBAP2L (ubiquitin associated protein 2 like; plus strand). Cytogenetic location: 1q21.3.
Variant type: single nucleotide variant.
Coding change: c.2117C>T on transcript NM_014847.4 (MANE Select); coding-DNA position 2117, C replaced by T.
Protein change: p.Ser706Leu; replaces serine 706 with leucine.
Molecular consequence: missense variant.
Genome position (GRCh38, 1-based): chr1:154,255,715, C>T. VCF-style: chr1-154255715-C-T. GRCh37 (hg19) VCF-style: chr1-154228191-C-T.
Other names: c.2117C>T, p.Ser706Leu (NM_001127320.3, NM_001375614.1, NM_001375615.1 and 14 more transcripts); c.2096C>T, p.Ser699Leu (NM_001287815.1); c.2150C>T, p.Ser717Leu (NM_001287816.1, NM_001330730.1, NM_001375612.1 and 2 more transcripts); short protein forms S699L, S706L, S717L.
Identifiers: ClinVar variation 2502552 (VCV002502552.1), dbSNP rs1395076499, ClinGen allele CA342611820.

ClinVar aggregate classification (germline): Uncertain significance (1 of 4 stars; one submission).

Allele frequency attached by ClinVar (database versions not stated): TOPMed below 0.00001.

Submission:

GeneDx
Classification: Uncertain significance. Last evaluated: 2022-11-21. Review status: criteria provided, single submitter. Criteria: GeneDx Variant Classification Process June 2021. Collection method: clinical testing. Allele origin: germline. Affected: yes.
Comment: Not observed at significant frequency in large population cohorts (gnomAD); In silico analysis supports that this missense variant has a deleterious effect on protein structure/function; Has not been previously published as pathogenic or benign to our knowledge; This variant is associated with the following publications: (PMID: 34535561)